The following is an entry in ClinVar:

NM_001382430.1(AKT1):c.1112C>G (p.Thr371Arg)

Gene: AKT1 (AKT serine/threonine kinase 1; minus strand). Cytogenetic location: 14q32.33.
Variant type: single nucleotide variant.
Coding change: c.1112C>G on transcript NM_001382430.1 (MANE Select); coding-DNA position 1112, C replaced by G.
Protein change: p.Thr371Arg; replaces threonine 371 with arginine.
Molecular consequence: missense variant.
Genome position (GRCh38, 1-based): chr14:104,772,938, G>C on the plus strand (C>G on the coding strand, the complement: AKT1 is on the minus strand). VCF-style: chr14-104772938-G-C. GRCh37 (hg19) VCF-style: chr14-105239275-G-C.
Other names: c.1112C>G, p.Thr371Arg (NM_001014431.2, NM_001014432.2, NM_001382431.1 and 3 more transcripts); short protein forms T371R.
Identifiers: ClinVar variation 3518919 (VCV003518919.1).

ClinVar aggregate classification (germline): Uncertain significance (1 of 4 stars; one submission).

Conditions:
Inborn genetic diseases. Identifiers: MedGen C0950123, MeSH D030342.

Submission:

Ambry Genetics
Classification: Uncertain significance for Inborn genetic diseases. Last evaluated: 2024-07-06. Review status: criteria provided, single submitter. Criteria: Ambry Variant Classification Scheme 2023. Collection method: clinical testing. Allele origin: germline.
Comment: The p.T371R variant (also known as c.1112C>G), located in coding exon 10 of the AKT1 gene, results from a C to G substitution at nucleotide position 1112. The threonine at codon 371 is replaced by arginine, an amino acid with similar properties. This amino acid position is conserved. In addition, this alteration is predicted to be tolerated by in silico analysis. Based on the available evidence, the clinical significance of this variant remains unclear.